The following is an entry in ClinVar:

NM_194248.3(OTOF):c.986G>A (p.Arg329His)

Gene: OTOF (otoferlin; minus strand). Cytogenetic location: 2p23.3.
Variant type: single nucleotide variant.
Coding change: c.986G>A on transcript NM_194248.3 (MANE Select); coding-DNA position 986, G replaced by A.
Protein change: p.Arg329His; replaces arginine 329 with histidine.
Molecular consequence: missense variant.
Genome position (GRCh38, 1-based): chr2:26,489,270, C>T on the plus strand (G>A on the coding strand, the complement: OTOF is on the minus strand). VCF-style: chr2-26489270-C-T. GRCh37 (hg19) VCF-style: chr2-26712138-C-T.
Other names: c.986G>A, p.Arg329His (NM_001287489.2); short protein forms R329H.
Identifiers: ClinVar variation 930087 (VCV000930087.5), dbSNP rs764248648, ClinGen allele CA1564419.

ClinVar aggregate classification (germline): Uncertain significance. Review status: criteria provided, multiple submitters, no conflicts (2 of 4 stars). 2 submissions from 2 submitters: Uncertain significance (2). Last evaluated 2024-04-12.

Allele frequency attached by ClinVar (database versions not stated): gnomAD below 0.00001 and 0.00001; TOPMed 0.00002.
gnomAD v4.1: 47 of 1,612,822 alleles (0.0029%); highest among the groups gnomAD compares: South Asian, 0.018%; no homozygotes.

Submissions (2):

Blueprint Genetics
Classification: Uncertain significance. Last evaluated: 2024-04-12. Review status: criteria provided, single submitter. Criteria: ACMG Guidelines, 2015. Collection method: clinical testing. Allele origin: germline.

Laboratory for Molecular Medicine, Mass General Brigham Personalized Medicine
Classification: Uncertain significance. Last evaluated: 2019-05-21. Review status: criteria provided, single submitter. Criteria: LMM Criteria. Collection method: clinical testing. Allele origin: germline. Observed: 1 variant allele.
Comment: The p.Arg329His variant in OTOF has not been previously reported in individuals with hearing loss or auditory neuropathy spectrum disorder, but has been identified in 0.006% (2/30422) of South Asian chromosomes by gnomAD. Computational prediction tools and conservation analysis do not provide strong support for or against an impact to the protein. In summary, the clinical significance of this variant is uncertain. ACMG/AMP Criteria applied: PM2.